The following is an entry in ClinVar:

ClinVar aggregate classification (germline): Uncertain significance. Review status: criteria provided, multiple submitters, no conflicts (2 of 4 stars). 3 submissions from 3 submitters: Uncertain significance (3). Last evaluated 2025-08-13.

Conditions:
COL18A1-related disorder. Also called: COL18A1-related disorders; COL18A1-related condition.

Allele frequency attached by ClinVar (database versions not stated): gnomAD exomes below 0.00001; TOPMed below 0.00001; ExAC 0.00001; gnomAD 0.00001.
gnomAD v4.1: 7 of 1,613,236 alleles (0.00043%); highest among the groups gnomAD compares: South Asian, 0.0033%; no homozygotes.

Submissions (3):

PreventionGenetics, part of Exact Sciences
Classification: Uncertain significance for COL18A1-related condition. Last evaluated: 2025-08-13. Review status: criteria provided, single submitter. Criteria: ACMG Guidelines, 2015. Collection method: clinical testing. Allele origin: germline.
Comment: The COL18A1 c.931G>A variant is predicted to result in the amino acid substitution p.Gly311Arg. To our knowledge, this variant has not been reported in the literature. This variant is reported in 0.0033% of alleles in individuals of South Asian descent in gnomAD. At this time, the clinical significance of this variant is uncertain due to the absence of conclusive functional and genetic evidence.

Blueprint Genetics
Classification: Uncertain significance. Last evaluated: 2023-09-08. Review status: criteria provided, single submitter. Criteria: ACMG Guidelines, 2015. Collection method: clinical testing. Allele origin: germline.

Labcorp Genetics (formerly Invitae), Labcorp
Classification: Uncertain significance. Last evaluated: 2022-06-07. Review status: criteria provided, single submitter. Criteria: Invitae Variant Classification Sherloc (09022015). Collection method: clinical testing. Allele origin: germline.
Comment: This variant is present in population databases (rs771914407, gnomAD 0.003%). In summary, the available evidence is currently insufficient to determine the role of this variant in disease. Therefore, it has been classified as a Variant of Uncertain Significance. Experimental studies and prediction algorithms are not available or were not evaluated, and the functional significance of this variant is currently unknown. This variant has not been reported in the literature in individuals affected with COL18A1-related conditions. This sequence change replaces glycine, which is neutral and non-polar, with arginine, which is basic and polar, at codon 131 of the COL18A1 protein (p.Gly131Arg).

NM_001379500.1(COL18A1):c.391G>A (p.Gly131Arg)

Gene: COL18A1 (collagen type XVIII alpha 1 chain; plus strand). Cytogenetic location: 21q22.3.
Variant type: single nucleotide variant.
Coding change: c.391G>A on transcript NM_001379500.1 (MANE Select); coding-DNA position 391, G replaced by A.
Protein change: p.Gly131Arg; replaces glycine 131 with arginine.
Molecular consequence: missense variant.
Genome position (GRCh38, 1-based): chr21:45,468,526, G>A. VCF-style: chr21-45468526-G-A. GRCh37 (hg19) VCF-style: chr21-46888440-G-A.
Other names: c.931G>A (NM_030582.3); c.931G>A, p.Gly311Arg (NM_030582.4); c.1636G>A, p.Gly546Arg (NM_130444.3); short protein forms G131R, G311R, G546R.
Identifiers: ClinVar variation 1987890 (VCV001987890.4), dbSNP rs771914407, ClinGen allele CA10065737.